The following is an entry in ClinVar:

NM_001003841.3(SLC6A19):c.1158C>T (p.Asn386=)

Gene: SLC6A19 (solute carrier family 6 member 19; plus strand). Cytogenetic location: 5p15.33.
Variant type: single nucleotide variant.
Coding change: c.1158C>T on transcript NM_001003841.3 (MANE Select); coding-DNA position 1158, C replaced by T.
Protein change: p.Asn386=; no amino-acid change (asparagine 386 retained).
Molecular consequence: synonymous variant.
Genome position (GRCh38, 1-based): chr5:1,216,930, C>T. VCF-style: chr5-1216930-C-T. GRCh37 (hg19) VCF-style: chr5-1217045-C-T.
Identifiers: ClinVar variation 746697 (VCV000746697.35), dbSNP rs138438258, ClinGen allele CA3183056.
Genomic context (GRCh38, chr5:1,216,930, plus strand): 5'-GTGCAACGCCTCCGACCCCGCGGCCTACGCGCAGCTGGTGTTCCAGACCTGCGACATCAA[C>T]GCCTTCCTCTCAGAGGTAGGTCCATTCCGGAGCTCGAGGCAGGGAGAGGGCACCCCTTGC-3'
Protein context (NP_001003841.1, residues 376-396): AQLVFQTCDI[Asn386=]AFLSEAVEGT

ClinVar aggregate classification (germline): Likely benign. Review status: criteria provided, multiple submitters, no conflicts (2 of 4 stars). 4 submissions from 4 submitters: Likely benign (3). 1 of the submissions does not count toward it. Last evaluated 2025-07-03.

Conditions:
SLC6A19-related disorder. Also called: SLC6A19-related condition.

Allele frequency attached by ClinVar (database versions not stated): gnomAD exomes 0.00013 and 0.00015; TOPMed 0.00019; gnomAD 0.00021; ExAC 0.00022; ESP Exome Variant Server 0.00023; 1000 Genomes Project 30x 0.00031; 1000 Genomes Project 0.00040.
gnomAD v4.1: 230 of 1,613,048 alleles (0.014%); highest among the groups gnomAD compares: Middle Eastern, 0.053%; no homozygotes.

Submissions (4):

Labcorp Genetics (formerly Invitae), Labcorp
Classification: Likely benign. Last evaluated: 2025-07-03. Review status: criteria provided, single submitter. Criteria: Invitae Variant Classification Sherloc (09022015). Collection method: clinical testing. Allele origin: germline.

Blueprint Genetics
Classification: Likely benign. Last evaluated: 2024-10-31. Review status: criteria provided, single submitter. Criteria: ACMG Guidelines, 2015. Collection method: clinical testing. Allele origin: germline.

CeGaT Center for Human Genetics Tuebingen
Classification: Likely benign. Last evaluated: 2023-02-01. Review status: criteria provided, single submitter. Criteria: CeGaT Center For Human Genetics Tuebingen Variant Classification Criteria Version 2. Collection method: clinical testing. Allele origin: germline. Affected: yes. Observed: 1 variant allele.
Comment: SLC6A19: BP4, BP7

PreventionGenetics, part of Exact Sciences
Classification: Likely benign for SLC6A19-related condition. Last evaluated: 2019-10-30. Review status: no assertion criteria provided. Collection method: clinical testing. Allele origin: germline. Not counted in ClinVar's aggregate classification.
Comment: This variant is classified as likely benign based on ACMG/AMP sequence variant interpretation guidelines (Richards et al. 2015 PMID: 25741868, with internal and published modifications).